The following is an entry in ClinVar:

ClinVar aggregate classification (germline): Uncertain significance (1 of 4 stars; one submission).

Allele frequency attached by ClinVar (database versions not stated): TOPMed below 0.00001; gnomAD 0.00001.
gnomAD v4.1: 1 of 1,613,908 alleles (0.000062%); highest among the groups gnomAD compares: Non-Finnish European, 0.000085%; no homozygotes.

Submission:

GeneDx
Classification: Uncertain significance. Last evaluated: 2022-07-06. Review status: criteria provided, single submitter. Criteria: GeneDx Variant Classification Process June 2021. Collection method: clinical testing. Allele origin: germline. Affected: yes.
Comment: Not observed at significant frequency in large population cohorts (gnomAD); In silico analysis supports that this missense variant does not alter protein structure/function; Has not been previously published as pathogenic or benign to our knowledge

NM_017433.5(MYO3A):c.4415T>A (p.Val1472Asp)

Gene: MYO3A (myosin IIIA; plus strand). Cytogenetic location: 10p12.1.
Variant type: single nucleotide variant.
Coding change: c.4415T>A on transcript NM_017433.5 (MANE Select); coding-DNA position 4415, T replaced by A.
Protein change: p.Val1472Asp; replaces valine 1472 with aspartic acid.
Molecular consequence: missense variant.
Genome position (GRCh38, 1-based): chr10:26,176,822, T>A. VCF-style: chr10-26176822-T-A. GRCh37 (hg19) VCF-style: chr10-26465751-T-A.
Other names: short protein forms V1472D.
Identifiers: ClinVar variation 1810707 (VCV001810707.1), dbSNP rs1381441107, ClinGen allele CA376342654.
Genomic context (GRCh38, chr10:26,176,822, plus strand): 5'-CACAGCAACTGAAGTCACTTTATCTGGGTGTCTCGCACCATAAGCCAATTAATAGACGAG[T>A]TTCTTCTCAGCAGTGCCTCTCAGGTAAAAATCAGTAGAGTTAGAACTTCCTGAATGGGAA-3'
Protein context (NP_059129.3, residues 1462-1482): VSHHKPINRR[Val1472Asp]SSQQCLSGVC